The following is an entry in ClinVar:

NM_002860.4(ALDH18A1):c.1273C>T (p.Arg425Cys)

Gene: ALDH18A1 (aldehyde dehydrogenase 18 family member A1; minus strand). Cytogenetic location: 10q24.1.
Variant type: single nucleotide variant.
Coding change: c.1273C>T on transcript NM_002860.4 (MANE Select); coding-DNA position 1273, C replaced by T.
Protein change: p.Arg425Cys; replaces arginine 425 with cysteine.
Molecular consequence: missense variant.
Genome position (GRCh38, 1-based): chr10:95,621,225, G>A on the plus strand (C>T on the coding strand, the complement: ALDH18A1 is on the minus strand). VCF-style: chr10-95621225-G-A. GRCh37 (hg19) VCF-style: chr10-97380982-G-A.
Other names: R245C; c.1267C>T, p.Arg423Cys (NM_001017423.2, NM_001323415.2); c.940C>T, p.Arg314Cys (NM_001323412.2, NM_001323416.2); c.1273C>T, p.Arg425Cys (NM_001323413.2, NM_001323414.2); c.1168C>T, p.Arg390Cys (NM_001323417.2); c.934C>T, p.Arg312Cys (NM_001323418.2); c.637C>T, p.Arg213Cys (NM_001323419.2); short protein forms R425C, R213C, R390C, R423C, R314C, R312C.
Identifiers: ClinVar variation 633462 (VCV000633462.15), dbSNP rs762742204, ClinGen allele CA5620362.

ClinVar aggregate classification (germline): Conflicting classifications of pathogenicity. Review status: criteria provided, conflicting classifications (1 of 4 stars). 9 submissions from 9 submitters: Pathogenic (3); Likely pathogenic (2); Uncertain significance (2). 2 of the submissions do not count toward it. Last evaluated 2026-09-09.

Conditions:
ALDH18A1-related disorder. Also called: ALDH18A1-related disorders.
ALDH18A1-related de Barsy syndrome. Also called: Cutis laxa, autosomal recessive IIIA; DE BARSY SYNDROME A. Identifiers: Orphanet 2962, Orphanet 35664, MedGen C5234852, MONDO:0009053, OMIM 219150.
Autosomal recessive complex spastic paraplegia type 9B. Also called: Spastic paraplegia 9b, autosomal recessive. Identifiers: Orphanet 447760, MedGen C5568980, MONDO:0014702, OMIM 616586.
de Barsy syndrome. Also called: Cutis laxa-corneal clouding-oligophrenia syndrome. Identifiers: Orphanet 2962, MedGen C0268354, MONDO:0017569.
Autosomal dominant spastic paraplegia type 9. Identifiers: MedGen C1832669, MONDO:0015091.
Cutis laxa, autosomal dominant 3 (ADCL3). Identifiers: Orphanet 90348, MedGen C4225268, MONDO:0014706, OMIM 616603.

Allele frequency attached by ClinVar (database versions not stated): gnomAD 0.00001; TOPMed 0.00002; gnomAD exomes 0.00004 and 0.00009; ExAC 0.00009.
gnomAD v4.1: 61 of 1,613,346 alleles (0.0038%); highest among the groups gnomAD compares: South Asian, 0.033%; no homozygotes.

Submissions (9):

PreventionGenetics, part of Exact Sciences
Classification: Pathogenic for ALDH18A1-related condition. Last evaluated: 2026-09-09. Review status: criteria provided, single submitter. Criteria: ACMG Guidelines, 2015. Collection method: clinical testing. Allele origin: germline.
Comment: The ALDH18A1 c.1273C>T variant is predicted to result in the amino acid substitution p.Arg425Cys. This variant has been reported, in the homozygous or compound heterozygous state, in individuals with autosomal recessive cutis laxa type IIIA (De Barsy syndrome) (Zampatti et al. 2012. PubMed ID: 22411858; Gardeitchik et al. 2014. PubMed ID: 23963297; Lefebvre et al. 2018. PubMed ID: 30244529; Aggarwal et al. 2019. PubMed ID: 31742715; Lugli et al. 2022. PubMed ID: 35842092; Bourgon et al. 2022. PubMed ID: 35577939; Saini et al. 2022. PubMed ID: 35587316). This variant is reported in 0.043% of alleles in individuals of South Asian descent in gnomAD. This variant is interpreted as pathogenic.

Labcorp Genetics (formerly Invitae), Labcorp
Classification: Pathogenic for Autosomal dominant spastic paraplegia type 9; de Barsy syndrome; Cutis laxa, autosomal dominant 3. Last evaluated: 2025-11-18. Review status: criteria provided, single submitter. Criteria: Invitae Variant Classification Sherloc (09022015). Collection method: clinical testing. Allele origin: germline.
Comment: This sequence change replaces arginine, which is basic and polar, with cysteine, which is neutral and slightly polar, at codon 425 of the ALDH18A1 protein (p.Arg425Cys). This variant is present in population databases (rs762742204, gnomAD 0.04%). This missense change has been observed in individual(s) with autosomal recessive cutis laxa (PMID: 22411858, 23963297, 30244529). In at least one individual the data is consistent with being in trans (on the opposite chromosome) from a pathogenic variant. It has also been observed to segregate with disease in related individuals. ClinVar contains an entry for this variant (Variation ID: 633462). Invitae Evidence Modeling of protein sequence and biophysical properties (such as structural, functional, and spatial information, amino acid conservation, physicochemical variation, residue mobility, and thermodynamic stability) indicates that this missense variant is expected to disrupt ALDH18A1 protein function with a positive predictive value of 95%. For these reasons, this variant has been classified as Pathogenic.

First Genomix Gene Laboratory, Genetic Diagnostics Department
Classification: Pathogenic for ALDH18A1-related de Barsy syndrome; Autosomal recessive complex spastic paraplegia type 9B. Last evaluated: 2025-03-20. Review status: criteria provided, single submitter. Criteria: ACMG Guidelines, 2015. Collection method: clinical testing. Allele origin: germline. Inheritance: Autosomal recessive inheritance. Affected: no. Observed: 1 variant allele.

Genomic Medicine Center of Excellence, King Faisal Specialist Hospital and Research Centre
Classification: Uncertain significance for ALDH18A1-related de Barsy syndrome. Last evaluated: 2024-03-29. Review status: criteria provided, single submitter. Criteria: ACMG Guidelines, 2015. Collection method: clinical testing. Allele origin: germline.

Pittsburgh Clinical Genomics Laboratory, University of Pittsburgh Medical Center
Classification: Likely pathogenic for ALDH18A1-related de Barsy syndrome. Last evaluated: 2022-02-25. Review status: criteria provided, single submitter. Criteria: ACMG Guidelines, 2015. Collection method: clinical testing. Allele origin: germline. Inheritance: Autosomal recessive inheritance. Affected: yes.
Comment: This sequence variant is a single nucleotide substitution (C>T) which results in an arginine to cysteine amino acid change at residue 425 in the ALDH18A1 protein. This is a previously reported variant (ClinVar) which has been reported in homozygous or compound heterozygous state in multiple individuals with De Barsy syndrome and/or severe cutis laxa (PMID: 31742715, 22411858, 30244529, 23963297). This variant is rare in the gnomAD control population database (23/281944 alleles or 0.008%). Multiple bioinformatic tools predict that this variant is likely to be damaging, and the Arg425 residue is highly conserved in vertebrates. Functiol studies assessing the effect of this variant on protein structure or activity have not been performed, to our knowledge. Given the current evidence, we consider this variant to be likely pathogenic. ACMG Criteria: PM3, PP3, PS4

GeneDx
Classification: Uncertain significance. Last evaluated: 2020-07-20. Review status: criteria provided, single submitter. Criteria: GeneDx Variant Classification Process June 2021. Collection method: clinical testing. Allele origin: germline. Affected: yes.
Comment: Described in several individuals with autosomal recessive cutis laxa who also harbored S742I in the ALDH18A1 gene; two of these patients were siblings, and the two ALDH18A1 variants were found to be in trans (Zampatti et al., 2012; Gardeitchik et al., 2014); Reported in ClinVar (ClinVar Variant ID# 633462; Landrum et al., 2016); In silico analysis, which includes protein predictors and evolutionary conservation, supports a deleterious effect; This variant is associated with the following publications: (PMID: 31742715, 22411858, 30244529, 23963297, 26026163, 26829900)

Diagnostics Division, CENTRE FOR DNA FINGERPRINTING AND DIAGNOSTICS
Classification: Likely pathogenic for ALDH18A1-related de Barsy syndrome. Last evaluated: 2019-01-01. Review status: criteria provided, single submitter. Criteria: ACMG Guidelines, 2015. Collection method: research. Allele origin: germline. Affected: yes. Observed: 1 homozygote.
Comment: Missense variant

OMIM
Classification: Pathogenic for CUTIS LAXA, AUTOSOMAL RECESSIVE, TYPE IIIA. Last evaluated: 2023-03-13. Review status: no assertion criteria provided. Collection method: literature only. Allele origin: germline. Not counted in ClinVar's aggregate classification.

Department of Pediatrics, University of Modena and Reggio Emilia
Classification: Pathogenic for ALDH18A1-related de Barsy syndrome. Last evaluated: 2021-11-01. Review status: no assertion criteria provided. Collection method: curation. Allele origin: biparental. Inheritance: Autosomal recessive inheritance. Affected: yes. Observed: 1 homozygote. Not counted in ClinVar's aggregate classification.

Literature cited by the submitters: PubMed 22411858 (cited by Labcorp Genetics (formerly Invitae), Labcorp and Pittsburgh Clinical Genomics Laboratory, University of Pittsburgh Medical Center); PubMed 23963297 (cited by Labcorp Genetics (formerly Invitae), Labcorp and Pittsburgh Clinical Genomics Laboratory, University of Pittsburgh Medical Center); PubMed 30244529 (cited by 3 submitters); PubMed 31742715 (cited by Pittsburgh Clinical Genomics Laboratory, University of Pittsburgh Medical Center).